The following is an entry in ClinVar:

NM_001868.4(CPA1):c.1141C>T (p.Leu381Phe)

Gene: CPA1 (carboxypeptidase A1; plus strand). Cytogenetic location: 7q32.2.
Variant type: single nucleotide variant.
Coding change: c.1141C>T on transcript NM_001868.4 (MANE Select); coding-DNA position 1141, C replaced by T.
Protein change: p.Leu381Phe; replaces leucine 381 with phenylalanine.
Molecular consequence: missense variant.
Genome position (GRCh38, 1-based): chr7:130,387,892, C>T. VCF-style: chr7-130387892-C-T. GRCh37 (hg19) VCF-style: chr7-130027733-C-T.
Other names: short protein forms L381F.
Identifiers: ClinVar variation 2622165 (VCV002622165.5), dbSNP rs1380914980, ClinGen allele CA369284328.
Genomic context (GRCh38, chr7:130,387,892, plus strand): 5'-AGTGGAAGCACTATTGACTGGACCTACAGCCAGGGCATCAAGTACTCCTTCACCTTCGAG[C>T]TCCGGGACACTGGGCGCTATGGCTTCCTGCTGCCAGCCTCCCAGATCATCCCCACAGCCA-3'
Protein context (NP_001859.1, residues 371-391): QGIKYSFTFE[Leu381Phe]RDTGRYGFLL

ClinVar aggregate classification (germline): Uncertain significance. Review status: criteria provided, multiple submitters, no conflicts (2 of 4 stars). 2 submissions from 2 submitters: Uncertain significance (2). Last evaluated 2025-09-11.

Conditions:
Hereditary pancreatitis (PCTT). Also called: PRSS1-Related Hereditary Pancreatitis; Hereditary chronic pancreatitis. Identifiers: Orphanet 676, MedGen C0238339, MONDO:0008185, OMIM 167800.

Allele frequency attached by ClinVar (database versions not stated): gnomAD 0.00001; TOPMed 0.00002.
gnomAD v4.1: 7 of 1,614,084 alleles (0.00043%); highest among the groups gnomAD compares: Admixed American, 0.0017%; no homozygotes.

Submissions (2):

Ambry Genetics
Classification: Uncertain significance for Hereditary pancreatitis. Last evaluated: 2025-09-11. Review status: criteria provided, single submitter. Criteria: Ambry Variant Classification Scheme 2023. Collection method: clinical testing. Allele origin: germline.

Labcorp Genetics (formerly Invitae), Labcorp
Classification: Uncertain significance. Last evaluated: 2025-03-03. Review status: criteria provided, single submitter. Criteria: Invitae Variant Classification Sherloc (09022015). Collection method: clinical testing. Allele origin: germline.
Comment: This sequence change replaces leucine, which is neutral and non-polar, with phenylalanine, which is neutral and non-polar, at codon 381 of the CPA1 protein (p.Leu381Phe). This variant is not present in population databases (gnomAD no frequency). This variant has not been reported in the literature in individuals affected with CPA1-related conditions. ClinVar contains an entry for this variant (Variation ID: 2622165). Invitae Evidence Modeling of protein sequence and biophysical properties (such as structural, functional, and spatial information, amino acid conservation, physicochemical variation, residue mobility, and thermodynamic stability) has been performed for this missense variant. However, the output from this modeling did not meet the statistical confidence thresholds required to predict the impact of this variant on CPA1 protein function. In summary, the available evidence is currently insufficient to determine the role of this variant in disease. Therefore, it has been classified as a Variant of Uncertain Significance.